The following is an entry in ClinVar:

ClinVar aggregate classification (germline): Uncertain significance. Review status: criteria provided, multiple submitters, no conflicts (2 of 4 stars). 2 submissions from 2 submitters: Uncertain significance (2). Last evaluated 2026-04-04.

Conditions:
SNRNP200-related disorder. Also called: SNRNP200-related condition.

Allele frequency attached by ClinVar (database versions not stated): gnomAD exomes below 0.00001.
gnomAD v4.1: 7 of 1,614,088 alleles (0.00043%); highest among the groups gnomAD compares: Non-Finnish European, 0.00059%; no homozygotes.

Submissions (2):

PreventionGenetics, part of Exact Sciences
Classification: Uncertain significance for SNRNP200-related condition. Last evaluated: 2026-04-04. Review status: criteria provided, single submitter. Criteria: ACMG Guidelines, 2015. Collection method: clinical testing. Allele origin: germline.
Comment: The SNRNP200 c.3193G>A variant is predicted to result in the amino acid substitution p.Ala1065Thr. To our knowledge, this variant has not been reported in the literature or in a large population database (gnomAD), indicating this variant is rare. At this time, the clinical significance of this variant is uncertain due to the absence of conclusive functional and genetic evidence.

Labcorp Genetics (formerly Invitae), Labcorp
Classification: Uncertain significance. Last evaluated: 2021-06-06. Review status: criteria provided, single submitter. Criteria: Invitae Variant Classification Sherloc (09022015). Collection method: clinical testing. Allele origin: germline.
Comment: This variant has not been reported in the literature in individuals with SNRNP200-related conditions. This variant is not present in population databases (ExAC no frequency). This sequence change replaces alanine with threonine at codon 1065 of the SNRNP200 protein (p.Ala1065Thr). The alanine residue is highly conserved and there is a small physicochemical difference between alanine and threonine. Algorithms developed to predict the effect of missense changes on protein structure and function are either unavailable or do not agree on the potential impact of this missense change (SIFT: "Deleterious"; PolyPhen-2: "Possibly Damaging"; Align-GVGD: "Class C0"). In summary, the available evidence is currently insufficient to determine the role of this variant in disease. Therefore, it has been classified as a Variant of Uncertain Significance.

NM_014014.5(SNRNP200):c.3193G>A (p.Ala1065Thr)

Gene: SNRNP200 (small nuclear ribonucleoprotein U5 subunit 200; minus strand). Cytogenetic location: 2q11.2.
Variant type: single nucleotide variant.
Coding change: c.3193G>A on transcript NM_014014.5 (MANE Select); coding-DNA position 3193, G replaced by A.
Protein change: p.Ala1065Thr; replaces alanine 1065 with threonine.
Molecular consequence: missense variant.
Genome position (GRCh38, 1-based): chr2:96,288,728, C>T on the plus strand (G>A on the coding strand, the complement: SNRNP200 is on the minus strand). VCF-style: chr2-96288728-C-T. GRCh37 (hg19) VCF-style: chr2-96954466-C-T.
Other names: c.3193G>A (NM_014014.4); short protein forms A1065T.
Identifiers: ClinVar variation 1359525 (VCV001359525.9), dbSNP rs2104347040, ClinGen allele CA347673598.